The following is an entry in ClinVar:

ClinVar aggregate classification (germline): Uncertain significance (1 of 4 stars; one submission).

Conditions:
Epidermolysis bullosa simplex 5B, with muscular dystrophy (EBS5B). Also called: EPIDERMOLYSIS BULLOSA SIMPLEX AND LIMB-GIRDLE MUSCULAR DYSTROPHY; Epidermolysis bullosa simplex with muscular dystrophy. Identifiers: Orphanet 257, MedGen C2931072, MONDO:0009181, OMIM 226670.
Epidermolysis bullosa simplex, Ogna type (EBS5A). Also called: EPIDERMOLYSIS BULLOSA SIMPLEX 5A, OGNA TYPE; Pidermolysis bullosa simplex 5A, Ogna type. Identifiers: Orphanet 79401, MedGen C0432317, MONDO:0007555, OMIM 131950.
Epidermolysis bullosa simplex with nail dystrophy (EBS5D). Identifiers: MedGen C4225309, MONDO:0014661, OMIM 616487.
Autosomal recessive limb-girdle muscular dystrophy type 2Q (LGMDR17). Also called: MUSCULAR DYSTROPHY, LIMB-GIRDLE, AUTOSOMAL RECESSIVE 17. Identifiers: Orphanet 254361, MedGen C3150989, MONDO:0013390, OMIM 613723.
Epidermolysis bullosa simplex 5C, with pyloric atresia (EBS5C). Also called: Epidermolysis bullosa simplex with pyloric atresia; PLEC-Related Epidermolysis Bullosa with Pyloric Atresia; PLEC1-Related Epidermolysis Bullosa with Pyloric Atresia. Identifiers: Orphanet 158684, MedGen C2677349, MONDO:0012807, OMIM 612138.

Allele frequency attached by ClinVar (database versions not stated): gnomAD exomes below 0.00001.
gnomAD v4.1: 1 of 1,612,526 alleles (0.000062%); highest among the groups gnomAD compares: Admixed American, 0.0017%; no homozygotes.

Submission:

Labcorp Genetics (formerly Invitae), Labcorp
Classification: Uncertain significance for Autosomal recessive limb-girdle muscular dystrophy type 2Q; Epidermolysis bullosa simplex, Ogna type; Epidermolysis bullosa simplex with nail dystrophy; Epidermolysis bullosa simplex 5C, with pyloric atresia; Epidermolysis bullosa simplex 5B, with muscular dystrophy. Last evaluated: 2022-07-26. Review status: criteria provided, single submitter. Criteria: Invitae Variant Classification Sherloc (09022015). Collection method: clinical testing. Allele origin: germline.
Comment: This sequence change replaces serine, which is neutral and polar, with proline, which is neutral and non-polar, at codon 182 of the PLEC protein (p.Ser182Pro). This variant is not present in population databases (gnomAD no frequency). This variant has not been reported in the literature in individuals affected with PLEC-related conditions. ClinVar contains an entry for this variant (Variation ID: 1419119). Algorithms developed to predict the effect of missense changes on protein structure and function are either unavailable or do not agree on the potential impact of this missense change (SIFT: "Deleterious"; PolyPhen-2: "Not Available"; Align-GVGD: "Class C0"). In summary, the available evidence is currently insufficient to determine the role of this variant in disease. Therefore, it has been classified as a Variant of Uncertain Significance.

NM_201384.3(PLEC):c.463T>C (p.Ser155Pro)

Gene: PLEC (plectin; minus strand). Cytogenetic location: 8q24.3.
Variant type: single nucleotide variant.
Coding change: c.463T>C on transcript NM_201384.3 (MANE Select); coding-DNA position 463, T replaced by C.
Protein change: p.Ser155Pro; replaces serine 155 with proline.
Molecular consequence: missense variant.
Genome position (GRCh38, 1-based): chr8:143,935,987, A>G on the plus strand (T>C on the coding strand, the complement: PLEC is on the minus strand). VCF-style: chr8-143935987-A-G. GRCh37 (hg19) VCF-style: chr8-145010155-A-G.
Other names: c.544T>C, p.Ser182Pro (NM_000445.5); c.421T>C, p.Ser141Pro (NM_201378.4); c.397T>C, p.Ser133Pro (NM_201379.3); c.874T>C, p.Ser292Pro (NM_201380.4); c.367T>C, p.Ser123Pro (NM_201381.3); c.463T>C, p.Ser155Pro (NM_201382.4); c.475T>C, p.Ser159Pro (NM_201383.3); short protein forms S292P, S123P, S155P, S182P, S141P, S159P, S133P.
Identifiers: ClinVar variation 1419119 (VCV001419119.6), dbSNP rs2132125581, ClinGen allele CA372589195.